The following is an entry in ClinVar:

NM_000195.5(HPS1):c.987+1G>A

Gene: HPS1 (HPS1 biogenesis of lysosomal organelles complex 3 subunit 1; minus strand). Cytogenetic location: 10q24.2.
Variant type: single nucleotide variant.
Coding change: c.987+1G>A on transcript NM_000195.5 (MANE Select); the canonical splice donor site of the intron after coding-DNA position 987, G replaced by A.
Molecular consequence: splice donor variant.
Genome position (GRCh38, 1-based): chr10:98,427,214, C>T on the plus strand (G>A on the coding strand, the complement: HPS1 is on the minus strand). VCF-style: chr10-98427214-C-T. GRCh37 (hg19) VCF-style: chr10-100186971-C-T.
Other names: c.618+1G>A (NM_001322483.2, NM_001322484.2); c.726+1G>A (NM_001322480.2, NM_001322481.2); c.888+1G>A (NM_001322478.2, NM_001322479.2); c.987+1G>A (NM_001322476.2, NM_001322477.2, NM_000195.4); c.519+1G>A (NM_001322485.2); c.627+1G>A (NM_001322482.2); c.15+1G>A (NM_001322489.2, NM_001311345.2, NM_001322487.2).
Identifiers: ClinVar variation 2164818 (VCV002164818.8), dbSNP rs913991716, ClinGen allele CA212764703.

ClinVar aggregate classification (germline): Pathogenic/Likely pathogenic. Review status: criteria provided, multiple submitters, no conflicts (2 of 4 stars). 5 submissions from 5 submitters: Pathogenic (1); Likely pathogenic (4). Last evaluated 2026-06-05.

Conditions:
HPS1-related disorder. Also called: HPS1-related condition.
Hermansky-Pudlak syndrome (HPS). Also called: ALBINISM WITH HEMORRHAGIC DIATHESIS AND PIGMENTED RETICULOENDOTHELIAL CELLS. Identifiers: Orphanet 79430, MedGen C0079504, MONDO:0019312.
Hermansky-Pudlak syndrome 1 (HPS1). Also called: DELTA STORAGE POOL DISEASE. Identifiers: Orphanet 231500, Orphanet 79430, MedGen C2931875, MONDO:0008748, OMIM 203300.

Allele frequency attached by ClinVar (database versions not stated): gnomAD exomes below 0.00001; gnomAD 0.00001.
gnomAD v4.1: 5 of 1,551,170 alleles (0.00032%); highest among the groups gnomAD compares: Non-Finnish European, 0.00044%; no homozygotes.

Submissions (5):

PreventionGenetics, part of Exact Sciences
Classification: Likely pathogenic for HPS1-related condition. Last evaluated: 2026-06-05. Review status: criteria provided, single submitter. Criteria: ACMG Guidelines, 2015. Collection method: clinical testing. Allele origin: germline.
Comment: The HPS1 c.987+1G>A variant is predicted to disrupt the GT donor site and interfere with normal splicing. To our knowledge, this variant has not been reported in individuals with HPS1-related disease. This variant has not been reported in a large population database (gnomAD), indicating this variant is rare. Variants that disrupt the consensus splice donor site in HPS1 are expected to be pathogenic. This variant is interpreted as likely pathogenic.

Natera, Inc.
Classification: Pathogenic for Hermansky-Pudlak syndrome. Last evaluated: 2025-07-23. Review status: criteria provided, single submitter. Criteria: Natera Variant Classification Schema (03/2026). Collection method: clinical testing. Allele origin: germline.
Comment: The c.987+1G>A variant in HPS1 is a canonical splice donor site variant predicted to affect pre-mRNA splicing, which may result in an abnormal transcript and altered protein product. This variant is expected to result in nonsense mediated decay, truncation, or a dysfunctional protein product. This variant is rare in the general population with a frequency below the threshold expected for the associated phenotype(s). This variant has been observed in one or more individuals affected with the associated recessive disease, as either homozygous or compound heterozygous with a second variant (PMID: 37389831). Additionally, this variant has been observed to segregate in affected family members (PMID: 37389831). Given the available evidence, this variant is classified as Pathogenic.

Fulgent Genetics
Classification: Likely pathogenic for Hermansky-Pudlak syndrome 1. Last evaluated: 2024-02-01. Review status: criteria provided, single submitter. Criteria: ACMG Guidelines, 2015. Collection method: clinical testing. Allele origin: germline.

Labcorp Genetics (formerly Invitae), Labcorp
Classification: Likely pathogenic. Last evaluated: 2023-09-19. Review status: criteria provided, single submitter. Criteria: Invitae Variant Classification Sherloc (09022015). Collection method: clinical testing. Allele origin: germline.
Comment: This sequence change affects a donor splice site in intron 11 of the HPS1 gene. It is expected to disrupt RNA splicing. Variants that disrupt the donor or acceptor splice site typically lead to a loss of protein function (PMID: 16199547), and loss-of-function variants in HPS1 are known to be pathogenic (PMID: 12442288, 16185271). This variant is not present in population databases (gnomAD no frequency). This variant has not been reported in the literature in individuals affected with HPS1-related conditions. ClinVar contains an entry for this variant (Variation ID: 2164818). Algorithms developed to predict the effect of sequence changes on RNA splicing suggest that this variant may disrupt the consensus splice site. In summary, the currently available evidence indicates that the variant is pathogenic, but additional data are needed to prove that conclusively. Therefore, this variant has been classified as Likely Pathogenic.

Baylor Genetics
Classification: Likely pathogenic for Hermansky-Pudlak syndrome 1. Last evaluated: 2023-05-01. Review status: criteria provided, single submitter. Criteria: ACMG Guidelines, 2015. Collection method: clinical testing. Allele origin: unknown.

Literature cited by the submitters: PubMed 37389831 (cited by Natera, Inc.); PubMed 16199547 (cited by Labcorp Genetics (formerly Invitae), Labcorp); PubMed 12442288 (cited by Labcorp Genetics (formerly Invitae), Labcorp); PubMed 16185271 (cited by Labcorp Genetics (formerly Invitae), Labcorp).